The following is an entry in ClinVar:

ClinVar aggregate classification (germline): Pathogenic (1 of 4 stars; one submission).

Submission:

CeGaT Center for Human Genetics Tuebingen
Classification: Pathogenic. Last evaluated: 2025-03-01. Review status: criteria provided, single submitter. Criteria: CeGaT Center For Human Genetics Tuebingen Variant Classification Criteria Version 2. Collection method: clinical testing. Allele origin: germline. Affected: yes. Observed: 1 variant allele.
Comment: COL1A1: PM1:Strong, PS2, PM2, PP3

NM_000088.4(COL1A1):c.1111G>C (p.Gly371Arg)

Gene: COL1A1 (collagen type I alpha 1 chain; minus strand). Cytogenetic location: 17q21.33.
Variant type: single nucleotide variant.
Coding change: c.1111G>C on transcript NM_000088.4 (MANE Select); coding-DNA position 1111, G replaced by C.
Protein change: p.Gly371Arg; replaces glycine 371 with arginine.
Molecular consequence: missense variant.
Genome position (GRCh38, 1-based): chr17:50,195,611, C>G on the plus strand (G>C on the coding strand, the complement: COL1A1 is on the minus strand). VCF-style: chr17-50195611-C-G. GRCh37 (hg19) VCF-style: chr17-48272972-C-G.
Other names: short protein forms G371R.
Identifiers: ClinVar variation 3778605 (VCV003778605.7).